The following is an entry in ClinVar:

NM_000782.5(CYP24A1):c.815C>G (p.Thr272Ser)

Gene: CYP24A1 (cytochrome P450 family 24 subfamily A member 1; minus strand). Cytogenetic location: 20q13.2.
Variant type: single nucleotide variant.
Coding change: c.815C>G on transcript NM_000782.5 (MANE Select); coding-DNA position 815, C replaced by G.
Protein change: p.Thr272Ser; replaces threonine 272 with serine.
Molecular consequence: missense variant.
Genome position (GRCh38, 1-based): chr20:54,164,481, G>C on the plus strand (C>G on the coding strand, the complement: CYP24A1 is on the minus strand). VCF-style: chr20-54164481-G-C. GRCh37 (hg19) VCF-style: chr20-52781020-G-C.
Other names: c.815C>G, p.Thr272Ser (NM_001128915.2); short protein forms T272S.
Identifiers: ClinVar variation 1464834 (VCV001464834.9), dbSNP rs1413437455, ClinGen allele CA409391914.
Genomic context (GRCh38, chr20:54,164,481, plus strand): 5'-TTCTGGCTGGTTGTGAAGGGCGGCCCTTTACCTGATTTGAAAATGGTGTCCCAGGCCAGA[G>C]TGTGGTCCTGCCAGACCTTGGTGTTGAGGCTCTTGTGCAGCTCGACTGGAGTGACCATCA-3'
Protein context (NP_000773.2, residues 262-282): SLNTKVWQDH[Thr272Ser]LAWDTIFKSV

ClinVar aggregate classification (germline): Uncertain significance. Review status: criteria provided, multiple submitters, no conflicts (2 of 4 stars). 2 submissions from 2 submitters: Uncertain significance (2). Last evaluated 2024-11-04.

Conditions:
Hypercalcemia, infantile, 1 (HCINF1). Identifiers: Orphanet 300547, MedGen CN031131, MONDO:0020739, OMIM 143880.

Allele frequency attached by ClinVar (database versions not stated): gnomAD exomes below 0.00001; gnomAD 0.00001.
gnomAD v4.1: 12 of 1,614,092 alleles (0.00074%); highest among the groups gnomAD compares: Non-Finnish European, 0.001%; no homozygotes.

Submissions (2):

Labcorp Genetics (formerly Invitae), Labcorp
Classification: Uncertain significance. Last evaluated: 2024-11-04. Review status: criteria provided, single submitter. Criteria: Invitae Variant Classification Sherloc (09022015). Collection method: clinical testing. Allele origin: germline.
Comment: This sequence change replaces threonine, which is neutral and polar, with serine, which is neutral and polar, at codon 272 of the CYP24A1 protein (p.Thr272Ser). This variant is present in population databases (no rsID available, gnomAD 0.0009%). This variant has not been reported in the literature in individuals affected with CYP24A1-related conditions. ClinVar contains an entry for this variant (Variation ID: 1464834). Invitae Evidence Modeling of protein sequence and biophysical properties (such as structural, functional, and spatial information, amino acid conservation, physicochemical variation, residue mobility, and thermodynamic stability) indicates that this missense variant is not expected to disrupt CYP24A1 protein function with a negative predictive value of 95%. In summary, the available evidence is currently insufficient to determine the role of this variant in disease. Therefore, it has been classified as a Variant of Uncertain Significance.

Fulgent Genetics
Classification: Uncertain significance for Hypercalcemia, infantile, 1. Last evaluated: 2022-03-23. Review status: criteria provided, single submitter. Criteria: ACMG Guidelines, 2015. Collection method: clinical testing. Allele origin: unknown.